The following is an entry in ClinVar:

NM_000368.5(TSC1):c.1868A>G (p.Lys623Arg)

Gene: TSC1 (TSC complex subunit 1; minus strand). Cytogenetic location: 9q34.13.
Variant type: single nucleotide variant.
Coding change: c.1868A>G on transcript NM_000368.5 (MANE Select); coding-DNA position 1868, A replaced by G.
Protein change: p.Lys623Arg; replaces lysine 623 with arginine.
Molecular consequence: missense variant. On other transcripts: non-coding transcript variant (5).
Genome position (GRCh38, 1-based): chr9:132,905,710, T>C on the plus strand (A>G on the coding strand, the complement: TSC1 is on the minus strand). VCF-style: chr9-132905710-T-C. GRCh37 (hg19) VCF-style: chr9-135781097-T-C.
Other names: c.1865A>G, p.Lys622Arg (NM_001162426.2, NM_001406597.1, NM_001406598.1 and 6 more transcripts); c.1715A>G, p.Lys572Arg (NM_001162427.2, NM_001406610.1); c.1505A>G, p.Lys502Arg (NM_001362177.2, NM_001406614.1, NM_001406615.1 and 5 more transcripts); c.1868A>G, p.Lys623Arg (NM_001406592.1, NM_001406593.1, NM_001406594.1 and 7 more transcripts); c.1502A>G, p.Lys501Arg (NM_001406620.1, NM_001406621.1, NM_001406622.1 and 2 more transcripts); c.917A>G, p.Lys306Arg (NM_001406626.1); c.914A>G, p.Lys305Arg (NM_001406627.1, NM_001406628.1); c.815A>G, p.Lys272Arg (NM_001406629.1, NM_001406630.1); and 1 more; short protein forms K272R, K305R, K306R, K501R, K502R, K571R, K572R, K622R.
Identifiers: ClinVar variation 2679308 (VCV002679308.5), dbSNP rs2131817421, ClinGen allele CA375363050.

ClinVar aggregate classification (germline): Uncertain significance. Review status: criteria provided, multiple submitters, no conflicts (2 of 4 stars). 3 submissions from 3 submitters: Uncertain significance (3). Last evaluated 2026-01-18.

Conditions:
Isolated focal cortical dysplasia type II (FCORD2). Also called: Focal cortical dysplasia type II; CORTICAL DYSPLASIA OF TAYLOR. Identifiers: Orphanet 268994, MedGen C1846385, MONDO:0011818, OMIM 607341, HP:0032051.
Tuberous sclerosis 1 (TSC1). Identifiers: Orphanet 805, MedGen C1854465, MONDO:0008612, OMIM 191100.
Hereditary cancer-predisposing syndrome. Also called: Tumor predisposition; Hereditary neoplastic syndrome; Neoplastic Syndromes, Hereditary; Hereditary Cancer Syndrome. Identifiers: Orphanet 140162, MedGen C0027672, MeSH D009386, MONDO:0015356.

Submissions (3):

Labcorp Genetics (formerly Invitae), Labcorp
Classification: Uncertain significance for Tuberous sclerosis 1. Last evaluated: 2026-01-18. Review status: criteria provided, single submitter. Criteria: Invitae Variant Classification Sherloc (09022015). Collection method: clinical testing. Allele origin: germline.
Comment: This sequence change replaces lysine, which is basic and polar, with arginine, which is basic and polar, at codon 623 of the TSC1 protein (p.Lys623Arg). This variant is not present in population databases (gnomAD no frequency). This variant has not been reported in the literature in individuals affected with TSC1-related conditions. ClinVar contains an entry for this variant (Variation ID: 2679308). Invitae Evidence Modeling of protein sequence and biophysical properties (such as structural, functional, and spatial information, amino acid conservation, physicochemical variation, residue mobility, and thermodynamic stability) indicates that this missense variant is not expected to disrupt TSC1 protein function with a negative predictive value of 95%. In summary, the available evidence is currently insufficient to determine the role of this variant in disease. Therefore, it has been classified as a Variant of Uncertain Significance.

Ambry Genetics
Classification: Uncertain significance for Hereditary cancer-predisposing syndrome. Last evaluated: 2025-02-27. Review status: criteria provided, single submitter. Criteria: Ambry Variant Classification Scheme 2023. Collection method: clinical testing. Allele origin: germline.
Comment: The p.K623R variant (also known as c.1868A>G), located in coding exon 13 of the TSC1 gene, results from an A to G substitution at nucleotide position 1868. The lysine at codon 623 is replaced by arginine, an amino acid with highly similar properties. This amino acid position is conserved. In addition, this alteration is predicted to be tolerated by in silico analysis. Based on the available evidence, the clinical significance of this variant remains unclear.

Baylor Genetics
Classification: Uncertain significance for Isolated focal cortical dysplasia type II. Last evaluated: 2023-08-07. Review status: criteria provided, single submitter. Criteria: ACMG Guidelines, 2015. Collection method: clinical testing. Allele origin: unknown.